The following is an entry in ClinVar:

NC_000016.10:g.(?_89758567)_(89808377_?)del

Gene: FANCA (FA complementation group A; minus strand). Cytogenetic location: 16q24.3.
Variant type: Deletion.
Identifiers: ClinVar variation 833420 (VCV000833420.8).

ClinVar aggregate classification (germline): Pathogenic (1 of 4 stars; one submission).

Conditions:
Fanconi anemia (FA). Also called: Fanconi's anemia. Identifiers: Orphanet 84, MedGen C0015625, MeSH D005199, MONDO:0019391.

Submission:

Labcorp Genetics (formerly Invitae), Labcorp
Classification: Pathogenic for Fanconi anemia. Last evaluated: 2022-02-28. Review status: criteria provided, single submitter. Criteria: Invitae Variant Classification Sherloc (09022015). Collection method: clinical testing. Allele origin: germline.
Comment: For these reasons, this variant has been classified as Pathogenic. This variant is also known as c.523-?_2981+?del. A similar copy number variant has been observed in individual(s) with Fanconi anemia (PMID: 24584348). This variant is a gross deletion of the genomic region encompassing exon(s) 6-30 of the FANCA gene. This deletion is out-of-frame, and is expected to create a premature termination codon and result in an absent or disrupted protein product. Loss-of-function variants in FANCA are known to be pathogenic (PMID: 19367192).

Literature cited by the submitters: PubMed 24584348; PubMed 19367192.